The following is an entry in ClinVar:

NM_000135.4(FANCA):c.1498C>T (p.Pro500Ser)

Gene: FANCA (FA complementation group A; minus strand). Cytogenetic location: 16q24.3.
Variant type: single nucleotide variant.
Coding change: c.1498C>T on transcript NM_000135.4 (MANE Select); coding-DNA position 1498, C replaced by T.
Protein change: p.Pro500Ser; replaces proline 500 with serine.
Molecular consequence: missense variant.
Genome position (GRCh38, 1-based): chr16:89,783,075, G>A on the plus strand (C>T on the coding strand, the complement: FANCA is on the minus strand). VCF-style: chr16-89783075-G-A. GRCh37 (hg19) VCF-style: chr16-89849483-G-A.
Other names: c.1498C>T, p.Pro500Ser (NM_001286167.3); short protein forms P500S.
Identifiers: ClinVar variation 1371829 (VCV001371829.10), dbSNP rs776371246, ClinGen allele CA8252290.
Genomic context (GRCh38, chr16:89,783,075, plus strand): 5'-CGGCCAGCCGTGTCTTGGCCAATGAGATGTAGTCTGTGAGGAGGGAGCGGTACTTGCCGG[G>A]AACCAGGGGTGGGTGGAGAATGTGCACCTGAGGATAGATAGCAGAGCGCAGCACCGTTAG-3'
Protein context (NP_000126.2, residues 490-510): QVHILHPPLV[Pro500Ser]GKYRSLLTDY

ClinVar aggregate classification (germline): Uncertain significance. Review status: criteria provided, multiple submitters, no conflicts (2 of 4 stars). 3 submissions from 3 submitters: Uncertain significance (3). Last evaluated 2024-12-22.

Conditions:
Inborn genetic diseases. Identifiers: MedGen C0950123, MeSH D030342.
Fanconi anemia (FA). Also called: Fanconi's anemia. Identifiers: Orphanet 84, MedGen C0015625, MeSH D005199, MONDO:0019391.
Fanconi anemia complementation group A (FANCA). Also called: FANCA-Related Fanconi Anemia; Fanconi anemia, group A. Identifiers: Orphanet 84, MedGen C3469521, MONDO:0009215, OMIM 227650.

Allele frequency attached by ClinVar (database versions not stated): gnomAD exomes below 0.00001 and 0.00001; gnomAD 0.00001; ExAC 0.00002.
gnomAD v4.1: 7 of 1,613,752 alleles (0.00043%); highest among the groups gnomAD compares: African/African-American, 0.0013%; no homozygotes.

Submissions (3):

Ambry Genetics
Classification: Uncertain significance for Inborn genetic diseases. Last evaluated: 2024-12-22. Review status: criteria provided, single submitter. Criteria: Ambry Variant Classification Scheme 2023. Collection method: clinical testing. Allele origin: germline.
Comment: The p.P500S variant (also known as c.1498C>T), located in coding exon 16 of the FANCA gene, results from a C to T substitution at nucleotide position 1498. The proline at codon 500 is replaced by serine, an amino acid with similar properties. This amino acid position is conserved. In addition, this alteration is predicted to be deleterious by in silico analysis. Based on the available evidence, the clinical significance of this variant remains unclear.

Labcorp Genetics (formerly Invitae), Labcorp
Classification: Uncertain significance for Fanconi anemia. Last evaluated: 2024-05-21. Review status: criteria provided, single submitter. Criteria: Invitae Variant Classification Sherloc (09022015). Collection method: clinical testing. Allele origin: germline.
Comment: This sequence change replaces proline, which is neutral and non-polar, with serine, which is neutral and polar, at codon 500 of the FANCA protein (p.Pro500Ser). This variant is present in population databases (rs776371246, gnomAD 0.002%). This variant has not been reported in the literature in individuals affected with FANCA-related conditions. ClinVar contains an entry for this variant (Variation ID: 1371829). Advanced modeling of protein sequence and biophysical properties (such as structural, functional, and spatial information, amino acid conservation, physicochemical variation, residue mobility, and thermodynamic stability) performed at Invitae indicates that this missense variant is expected to disrupt FANCA protein function with a positive predictive value of 80%. In summary, the available evidence is currently insufficient to determine the role of this variant in disease. Therefore, it has been classified as a Variant of Uncertain Significance.

Victorian Clinical Genetics Services, Murdoch Childrens Research Institute
Classification: Uncertain significance for Fanconi anemia complementation group A. Last evaluated: 2019-08-28. Review status: criteria provided, single submitter. Criteria: ACMG Guidelines, 2015. Collection method: clinical testing. Allele origin: germline. Inheritance: Autosomal recessive inheritance.
Comment: A heterozygous missense variant was identified, NM_000135.2(FANCA):c.1498C>T in exon 16 of 43 of the FANCA gene. This substitution is predicted to create a moderate amino acid change from a proline to a serine at position 500 of the protein, NP_000126.2(FANCA):p.(Pro500Ser). The proline at this position has moderate conservation (100 vertebrates, UCSC), and is located within the fanconi anaemia group A protein N-terminus domain. In silico software predicts this variant to be disease causing (Polyphen, SIFT, CADD, Mutation Taster). The variant is present in the gnomAD population database at a frequency of 0.0008% (2 heterozygotes, 0 homozygotes). This variant has not been previously reported in clinical cases. Based on information available at the time of curation, this variant has been classified as a VARIANT of UNCERTAIN SIGNIFICANCE (VUS).